The following is an entry in ClinVar:

NM_170784.3(MKKS):c.783G>C (p.Val261=)

Gene: MKKS (MKKS centrosomal shuttling protein; minus strand). Cytogenetic location: 20p12.2.
Variant type: single nucleotide variant.
Coding change: c.783G>C on transcript NM_170784.3 (MANE Select); coding-DNA position 783, G replaced by C.
Protein change: p.Val261=; no amino-acid change (valine 261 retained).
Molecular consequence: synonymous variant.
Genome position (GRCh38, 1-based): chr20:10,412,732, C>G on the plus strand (G>C on the coding strand, the complement: MKKS is on the minus strand). VCF-style: chr20-10412732-C-G. GRCh37 (hg19) VCF-style: chr20-10393380-C-G.
Other names: c.783G>C, p.Val261= (NM_018848.3).
Identifiers: ClinVar variation 1597279 (VCV001597279.10), dbSNP rs751761252, ClinGen allele CA9763628.
Genomic context (GRCh38, chr20:10,412,732, plus strand): 5'-CCTTCCTAGGTTAAGCAGCTGGTCCAAGACTGCATTTTCAAGAGAAACCCCATAACTGAC[C>G]ACCACAGTTCCTTCTCCAGTGTCAGAAGTGTCTCCGGATAAAGTTGTACAAAAGAGTGCC-3'
Protein context (NP_740754.1, residues 251-271): DTSDTGEGTV[Val261=]VSYGVSLENA

ClinVar aggregate classification (germline): Likely benign. Review status: criteria provided, multiple submitters, no conflicts (2 of 4 stars). 3 submissions from 3 submitters: Likely benign (3). Last evaluated 2026-04-15.

Conditions:
MKKS-related disorder. Also called: MKKS-related disorders; MKKS-related condition.
Bardet-Biedl syndrome (BBS). Identifiers: Orphanet 110, MedGen C0752166, MONDO:0015229.
McKusick-Kaufman syndrome (MKKS). Also called: HYDROMETROCOLPOS SYNDROME; HYDROMETROCOLPOS, POSTAXIAL POLYDACTYLY, AND CONGENITAL HEART MALFORMATION. Identifiers: Orphanet 2473, MedGen C0948368, MONDO:0009367, OMIM 236700.

Allele frequency attached by ClinVar (database versions not stated): gnomAD 0.00001.
gnomAD v4.1: 7 of 1,614,030 alleles (0.00043%); highest among the groups gnomAD compares: East Asian, 0.0022%; no homozygotes.

Submissions (3):

PreventionGenetics, part of Exact Sciences
Classification: Likely benign for MKKS-related condition. Last evaluated: 2026-04-15. Review status: criteria provided, single submitter. Criteria: ACMG Guidelines, 2015. Collection method: clinical testing. Allele origin: germline.
Comment: This variant is classified as likely benign based on ACMG/AMP sequence variant interpretation guidelines (Richards et al. 2015 PMID: 25741868, with internal and published modifications).

Labcorp Genetics (formerly Invitae), Labcorp
Classification: Likely benign for McKusick-Kaufman syndrome; Bardet-Biedl syndrome. Last evaluated: 2024-11-05. Review status: criteria provided, single submitter. Criteria: Invitae Variant Classification Sherloc (09022015). Collection method: clinical testing. Allele origin: germline.

Breakthrough Genomics
Classification: Likely benign. Review status: criteria provided, single submitter. Criteria: ACMG Guidelines, 2015. Collection method: not provided. Allele origin: germline. Inheritance: Autosomal recessive inheritance. Affected: yes.